The following is an entry in ClinVar:

ClinVar aggregate classification (germline): Uncertain significance (1 of 4 stars; one submission).

Conditions:
Hereditary sensory and autonomic neuropathy type 7. Also called: HSAN VII; Neuropathy, hereditary sensory and autonomic, type VII. Identifiers: Orphanet 391397, MedGen C3809882, MONDO:0014244, OMIM 615548.
Familial episodic pain syndrome with predominantly lower limb involvement. Also called: Episodic pain syndrome, familial, 3. Identifiers: Orphanet 391384, Orphanet 391392, MedGen C3809899, MONDO:0014247, OMIM 615552.

Allele frequency attached by ClinVar (database versions not stated): gnomAD exomes below 0.00001.
gnomAD v4.1: 3 of 1,613,896 alleles (0.00019%); highest among the groups gnomAD compares: Non-Finnish European, 0.00025%; no homozygotes.

Submission:

GeneDx
Classification: Uncertain significance. Last evaluated: 2017-08-01. Review status: criteria provided, single submitter. Criteria: GeneDx Variant Classification (06012015). Collection method: clinical testing. Allele origin: germline. Affected: yes.
Comment: The A245S variant in the SCN11A gene has not been reported previously as a pathogenic variant, nor as a benign variant, to our knowledge. The A245S variant is not observed in large population cohorts (Lek et al., 2016; 1000 Genomes Consortium et al., 2015; Exome Variant Server). The A245S variant is a non-conservative amino acid substitution, which is likely to impact secondary protein structure as these residues differ in polarity, charge, size and/or other properties. This substitution occurs at a position that is conserved across species, however in silico analysis is inconsistent in its predictions as to whether or not the variant is damaging to the protein structure/function. We interpret A245S as a variant of uncertain significance.

NM_001349253.2(SCN11A):c.733G>T (p.Ala245Ser)

Gene: SCN11A (sodium voltage-gated channel alpha subunit 11; minus strand). Cytogenetic location: 3p22.2.
Variant type: single nucleotide variant.
Coding change: c.733G>T on transcript NM_001349253.2 (MANE Select); coding-DNA position 733, G replaced by T.
Protein change: p.Ala245Ser; replaces alanine 245 with serine.
Molecular consequence: missense variant.
Genome position (GRCh38, 1-based): chr3:38,921,235, C>A on the plus strand (G>T on the coding strand, the complement: SCN11A is on the minus strand). VCF-style: chr3-38921235-C-A. GRCh37 (hg19) VCF-style: chr3-38962726-C-A.
Other names: c.733G>T, p.Ala245Ser (NM_014139.3); short protein forms A245S.
Identifiers: ClinVar variation 450977 (VCV000450977.3), dbSNP rs1553640860, ClinGen allele CA352172415.